The following is an entry in ClinVar:

NM_001378454.1(ALMS1):c.12454T>C (p.Tyr4152His)

Gene: ALMS1 (ALMS1 centrosome and basal body associated protein; plus strand). Cytogenetic location: 2p13.1.
Variant type: single nucleotide variant.
Coding change: c.12454T>C on transcript NM_001378454.1 (MANE Select); coding-DNA position 12454, T replaced by C.
Protein change: p.Tyr4152His; replaces tyrosine 4152 with histidine.
Molecular consequence: missense variant.
Genome position (GRCh38, 1-based): chr2:73,608,566, T>C. VCF-style: chr2-73608566-T-C. GRCh37 (hg19) VCF-style: chr2-73835693-T-C.
Other names: c.12457T>C, p.Tyr4153His (NM_015120.4); short protein forms Y4152H, Y4153H.
Identifiers: ClinVar variation 3226589 (VCV003226589.1), dbSNP rs2466541056, ClinGen allele CA347275393.
Genomic context (GRCh38, chr2:73,608,566, plus strand): 5'-AAGAGAGAAGAAGAGAAGAGAAAATCAGAATATAAGTCATACCGGCTGCGAGCCCAGCTA[T>C]ATAAAAAGGTCAGTGGGTCCTCTGTCTAGAGTGGGATGGATCAGGTTTATTGGCGGAAAG-3'
Protein context (NP_001365383.1, residues 4142-4162): YKSYRLRAQL[Tyr4152His]KKRVTNQLLG

ClinVar aggregate classification (germline): Uncertain significance (1 of 4 stars; one submission).

Conditions:
Cardiovascular phenotype. Identifiers: MedGen CN230736.

Submission:

Ambry Genetics
Classification: Uncertain significance for Cardiovascular phenotype. Last evaluated: 2023-10-05. Review status: criteria provided, single submitter. Criteria: Ambry Variant Classification Scheme 2023. Collection method: clinical testing. Allele origin: germline.
Comment: The p.Y4153H variant (also known as c.12457T>C), located in coding exon 22 of the ALMS1 gene, results from a T to C substitution at nucleotide position 12457. The tyrosine at codon 4153 is replaced by histidine, an amino acid with similar properties. This amino acid position is not well conserved in available vertebrate species. In addition, the in silico prediction for this alteration is inconclusive. Since supporting evidence is limited at this time, the clinical significance of this alteration remains unclear.